The following is an entry in ClinVar:

ClinVar aggregate classification (germline): Uncertain significance (1 of 4 stars; one submission).

Conditions:
Familial adenomatous polyposis 1 (FAP1). Also called: POLYPOSIS, ADENOMATOUS INTESTINAL; FAMILIAL ADENOMATOUS POLYPOSIS 1, ATTENUATED. Identifiers: MedGen C2713442, MONDO:0021056, OMIM 175100. Disease mechanism: loss of function.

Submission:

Labcorp Genetics (formerly Invitae), Labcorp
Classification: Uncertain significance for Familial adenomatous polyposis 1. Last evaluated: 2021-12-24. Review status: criteria provided, single submitter. Criteria: Invitae Variant Classification Sherloc (09022015). Collection method: clinical testing. Allele origin: germline.
Comment: In summary, the available evidence is currently insufficient to determine the role of this variant in disease. Therefore, it has been classified as a Variant of Uncertain Significance. Algorithms developed to predict the effect of missense changes on protein structure and function (SIFT, PolyPhen-2, Align-GVGD) all suggest that this variant is likely to be tolerated. This variant has not been reported in the literature in individuals affected with APC-related conditions. This variant is not present in population databases (gnomAD no frequency). This sequence change replaces glycine, which is neutral and non-polar, with alanine, which is neutral and non-polar, at codon 84 of the APC protein (p.Gly84Ala).

NM_000038.6(APC):c.251G>C (p.Gly84Ala)

Gene: APC (APC regulator of Wnt signaling pathway; plus strand). Cytogenetic location: 5q22.2.
Variant type: single nucleotide variant.
Coding change: c.251G>C on transcript NM_000038.6 (MANE Select); coding-DNA position 251, G replaced by C.
Protein change: p.Gly84Ala; replaces glycine 84 with alanine.
Molecular consequence: missense variant. On other transcripts: 5 prime UTR variant (1).
Genome position (GRCh38, 1-based): chr5:112,767,219, G>C. VCF-style: chr5-112767219-G-C. GRCh37 (hg19) VCF-style: chr5-112102916-G-C.
Other names: c.251G>C, p.Gly84Ala (NM_001127510.3, NM_001354895.2, NM_001354896.2 and 16 more transcripts); c.281G>C, p.Gly94Ala (NM_001127511.3, NM_001354897.2, NM_001354902.2 and 1 more transcripts); c.176G>C, p.Gly59Ala (NM_001354898.2, NM_001354904.2, NM_001407451.1); c.74G>C, p.Gly25Ala (NM_001354900.2, NM_001354901.2, NM_001354905.2 and 1 more transcripts); c.-785G>C (NM_001354906.2, NM_001407470.1, NM_001407471.1 and 1 more transcripts); short protein forms G59A, G25A, G84A, G94A.
Identifiers: ClinVar variation 2059263 (VCV002059263.4), dbSNP rs143145868, ClinGen allele CA16021895.